The following is an entry in ClinVar:

NM_024649.5(BBS1):c.1181-9C>G

Genes: BBS1 (Bardet-Biedl syndrome 1; plus strand), ZDHHC24 (zDHHC palmitoyltransferase 24; minus strand). Cytogenetic location: 11q13.2.
Variant type: single nucleotide variant.
Coding change: c.1181-9C>G on transcript NM_024649.5 (MANE Select); 9 bases into the intron before coding-DNA position 1181, C replaced by G.
Molecular consequence: intron variant.
Genome position (GRCh38, 1-based): chr11:66,526,640, C>G. VCF-style: chr11-66526640-C-G. GRCh37 (hg19) VCF-style: chr11-66294111-C-G.
Other names: c.*21+296G>C (NM_001348571.2).
Identifiers: ClinVar variation 1037244 (VCV001037244.9), dbSNP rs769820955, ClinGen allele CA1979711666.

ClinVar aggregate classification (germline): Pathogenic/Likely pathogenic. Review status: criteria provided, multiple submitters, no conflicts (2 of 4 stars). 3 submissions from 3 submitters: Pathogenic (1); Likely pathogenic (2). Last evaluated 2024-03-26.

Conditions:
BBS1-related disorder. Also called: BBS1-related condition.
Bardet-Biedl syndrome 1 (BBS1). Identifiers: MedGen C2936862, MONDO:0008854, OMIM 209900. Disease mechanism: loss of function.
Bardet-Biedl syndrome (BBS). Identifiers: Orphanet 110, MedGen C0752166, MONDO:0015229.

Allele frequency attached by ClinVar (database versions not stated): TOPMed below 0.00001.
gnomAD v4.1: 3 of 1,614,226 alleles (0.00019%); highest among the groups gnomAD compares: Non-Finnish European, 0.00025%; no homozygotes.

Submissions (3):

Baylor Genetics
Classification: Likely pathogenic for Bardet-Biedl syndrome 1. Last evaluated: 2024-03-26. Review status: criteria provided, single submitter. Criteria: ACMG Guidelines, 2015. Collection method: clinical testing. Allele origin: unknown.

Labcorp Genetics (formerly Invitae), Labcorp
Classification: Pathogenic for Bardet-Biedl syndrome. Last evaluated: 2024-02-14. Review status: criteria provided, single submitter. Criteria: Invitae Variant Classification Sherloc (09022015). Collection method: clinical testing. Allele origin: germline.
Comment: This sequence change falls in intron 12 of the BBS1 gene. It does not directly change the encoded amino acid sequence of the BBS1 protein. RNA analysis indicates that this variant induces altered splicing and may result in an absent or disrupted protein product. This variant is not present in population databases (gnomAD no frequency). This variant has been observed in individual(s) with clinical features of BBS1-related conditions (PMID: 22998390; Invitae). In at least one individual the data is consistent with being in trans (on the opposite chromosome) from a pathogenic variant. ClinVar contains an entry for this variant (Variation ID: 1037244). Studies have shown that this variant results in activation of a cryptic splice site and introduces a premature termination codon (Invitae). The resulting mRNA is expected to undergo nonsense-mediated decay. For these reasons, this variant has been classified as Pathogenic.

Blueprint Genetics
Classification: Likely pathogenic for BBS1-related disorders. Last evaluated: 2021-10-11. Review status: criteria provided, single submitter. Criteria: ACMG Guidelines, 2015. Collection method: clinical testing. Allele origin: germline. Affected: yes. Observed: 1 variant allele.

Literature cited by the submitters: PubMed 22998390 (cited by Labcorp Genetics (formerly Invitae), Labcorp).